The following is an entry in ClinVar:

NM_000052.7(ATP7A):c.1348C>T (p.Pro450Ser)

Gene: ATP7A (ATPase copper transporting alpha; plus strand). Cytogenetic location: Xq21.1.
Variant type: single nucleotide variant.
Coding change: c.1348C>T on transcript NM_000052.7 (MANE Select); coding-DNA position 1348, C replaced by T.
Protein change: p.Pro450Ser; replaces proline 450 with serine.
Molecular consequence: missense variant.
Genome position (GRCh38, 1-based): chrX:77,998,489, C>T. VCF-style: chrX-77998489-C-T. GRCh37 (hg19) VCF-style: chrX-77253986-C-T.
Other names: c.1348C>T, p.Pro450Ser (NM_001282224.2); short protein forms P450S.
Identifiers: ClinVar variation 2942306 (VCV002942306.3), dbSNP rs2522314127, ClinGen allele CA413594037.
Genomic context (GRCh38, chrX:77,998,489, plus strand): 5'-ATTGAATGATCAATACTGCAAATGAAAAGAATCTTTCCCTTTCTACCAGACACGAATGAG[C>T]CGTTGGTAGTAATAGCTCAGCCTTCATCGGAAATGCCGCTTTTGACTTCAACTAATGAAT-3'
Protein context (NP_000043.4, residues 440-460): FDATLSDTNE[Pro450Ser]LVVIAQPSSE

ClinVar aggregate classification (germline): Uncertain significance (1 of 4 stars; one submission).

Conditions:
Menkes kinky-hair syndrome (MNK). Also called: Copper transport disease; Menkes Disease; Classic Menkes Disease. Identifiers: Orphanet 565, MedGen C0022716, MONDO:0010651, OMIM 309400.
Cutis laxa, X-linked (OHS). Also called: EDS IX; Occipital horn syndrome. Identifiers: Orphanet 198, MedGen C0268353, MONDO:0010572, OMIM 304150.
X-linked distal spinal muscular atrophy type 3. Also called: ATP7A-Related Distal Motor Neuropathy; SPINAL MUSCULAR ATROPHY, DISTAL, X-LINKED RECESSIVE; NEURONOPATHY, DISTAL HEREDITARY MOTOR, X-LINKED; NEUROPATHY, DISTAL HEREDITARY MOTOR, X-LINKED. Identifiers: Orphanet 139557, MedGen C1845359, MONDO:0010338, OMIM 300489.

Submission:

Labcorp Genetics (formerly Invitae), Labcorp
Classification: Uncertain significance for X-linked distal spinal muscular atrophy type 3; Cutis laxa, X-linked; Menkes kinky-hair syndrome. Last evaluated: 2022-12-14. Review status: criteria provided, single submitter. Criteria: Invitae Variant Classification Sherloc (09022015). Collection method: clinical testing. Allele origin: germline.
Comment: In summary, the available evidence is currently insufficient to determine the role of this variant in disease. Therefore, it has been classified as a Variant of Uncertain Significance. This variant is not present in population databases (gnomAD no frequency). This variant has not been reported in the literature in individuals affected with ATP7A-related conditions. This sequence change replaces proline, which is neutral and non-polar, with serine, which is neutral and polar, at codon 450 of the ATP7A protein (p.Pro450Ser). Advanced modeling of protein sequence and biophysical properties (such as structural, functional, and spatial information, amino acid conservation, physicochemical variation, residue mobility, and thermodynamic stability) performed at Invitae indicates that this missense variant is not expected to disrupt ATP7A protein function.